The following is an entry in ClinVar:

NM_007194.4(CHEK2):c.413C>A (p.Thr138Lys)

Gene: CHEK2 (checkpoint kinase 2; minus strand). Cytogenetic location: 22q12.1.
Variant type: single nucleotide variant.
Coding change: c.413C>A on transcript NM_007194.4 (MANE Select); coding-DNA position 413, C replaced by A.
Protein change: p.Thr138Lys; replaces threonine 138 with lysine.
Molecular consequence: missense variant.
Genome position (GRCh38, 1-based): chr22:28,725,274, G>T on the plus strand (C>A on the coding strand, the complement: CHEK2 is on the minus strand). VCF-style: chr22-28725274-G-T. GRCh37 (hg19) VCF-style: chr22-29121262-G-T.
Other names: c.542C>A, p.Thr181Lys (NM_001005735.3); c.-365C>A (NM_001257387.3); c.413C>A, p.Thr138Lys (NM_001349956.3, NM_145862.3); short protein forms T181K, T138K.
Identifiers: ClinVar variation 1738139 (VCV001738139.6), dbSNP rs1555927196, ClinGen allele CA411107961.

ClinVar aggregate classification (germline): Uncertain significance. Review status: criteria provided, multiple submitters, no conflicts (2 of 4 stars). 2 submissions from 2 submitters: Uncertain significance (2). Last evaluated 2024-11-26.

Conditions:
Hereditary cancer-predisposing syndrome. Also called: Neoplastic Syndromes, Hereditary; Tumor predisposition; Hereditary Cancer Syndrome; Hereditary neoplastic syndrome. Identifiers: Orphanet 140162, MedGen C0027672, MeSH D009386, MONDO:0015356.
Familial cancer of breast. Also called: BREAST CANCER, FAMILIAL; Hereditary breast cancer; hereditary breast carcinoma. Identifiers: Orphanet 227535, MedGen C0346153, MONDO:0016419, OMIM 114480. Disease mechanism: loss of function.

Submissions (2):

Labcorp Genetics (formerly Invitae), Labcorp
Classification: Uncertain significance for Familial cancer of breast. Last evaluated: 2024-11-26. Review status: criteria provided, single submitter. Criteria: Invitae Variant Classification Sherloc (09022015). Collection method: clinical testing. Allele origin: germline.
Comment: This sequence change replaces threonine, which is neutral and polar, with lysine, which is basic and polar, at codon 138 of the CHEK2 protein (p.Thr138Lys). This variant is not present in population databases (gnomAD no frequency). This variant has not been reported in the literature in individuals affected with CHEK2-related conditions. ClinVar contains an entry for this variant (Variation ID: 1738139). An algorithm developed to predict the effect of missense changes on protein structure and function (PolyPhen-2) suggests that this variant is likely to be disruptive. In summary, the available evidence is currently insufficient to determine the role of this variant in disease. Therefore, it has been classified as a Variant of Uncertain Significance.

Ambry Genetics
Classification: Uncertain significance for Hereditary cancer-predisposing syndrome. Last evaluated: 2024-07-04. Review status: criteria provided, single submitter. Criteria: Ambry Variant Classification Scheme 2023. Collection method: clinical testing. Allele origin: germline.
Comment: The p.T138K variant (also known as c.413C>A), located in coding exon 2 of the CHEK2 gene, results from a C to A substitution at nucleotide position 413. The threonine at codon 138 is replaced by lysine, an amino acid with similar properties. This amino acid position is well conserved in available vertebrate species. In addition, the in silico prediction for this alteration is inconclusive. Since supporting evidence is limited at this time, the clinical significance of this alteration remains unclear.